The following is an entry in ClinVar:

ClinVar aggregate classification (germline): Uncertain significance (1 of 4 stars; one submission).

Conditions:
Hereditary cancer-predisposing syndrome. Also called: Tumor predisposition; Neoplastic Syndromes, Hereditary; Hereditary Cancer Syndrome; Hereditary neoplastic syndrome. Identifiers: Orphanet 140162, MedGen C0027672, MeSH D009386, MONDO:0015356.

Submission:

Ambry Genetics
Classification: Uncertain significance for Hereditary cancer-predisposing syndrome. Last evaluated: 2024-11-06. Review status: criteria provided, single submitter. Criteria: Ambry Variant Classification Scheme 2023. Collection method: clinical testing. Allele origin: germline.
Comment: The p.K16Q variant (also known as c.46A>C), located in coding exon 1 of the CTNNA1 gene, results from an A to C substitution at nucleotide position 46. The lysine at codon 16 is replaced by glutamine, an amino acid with similar properties. This amino acid position is conserved. In addition, the in silico prediction for this alteration is inconclusive. Based on the available evidence, the clinical significance of this variant remains unclear.

NM_001903.5(CTNNA1):c.46A>C (p.Lys16Gln)

Gene: CTNNA1 (catenin alpha 1; plus strand). Cytogenetic location: 5q31.2.
Variant type: single nucleotide variant.
Coding change: c.46A>C on transcript NM_001903.5 (MANE Select); coding-DNA position 46, A replaced by C.
Protein change: p.Lys16Gln; replaces lysine 16 with glutamine.
Molecular consequence: missense variant. On other transcripts: 5 prime UTR variant (2).
Genome position (GRCh38, 1-based): chr5:138,781,970, A>C. VCF-style: chr5-138781970-A-C. GRCh37 (hg19) VCF-style: chr5-138117659-A-C.
Other names: c.46A>C, p.Lys16Gln (NM_001290307.3, NM_001323982.2, NM_001323983.1 and 3 more transcripts); c.-68A>C (NM_001290309.3); c.-161A>C (NM_001290310.3); short protein forms K16Q.
Identifiers: ClinVar variation 3498262 (VCV003498262.1).